The following is an entry in ClinVar:

ClinVar aggregate classification (germline): Uncertain significance. Review status: criteria provided, multiple submitters, no conflicts (2 of 4 stars). 2 submissions from 2 submitters: Uncertain significance (2). Last evaluated 2022-07-06.

Allele frequency attached by ClinVar (database versions not stated): gnomAD exomes below 0.00001 and 0.00001; ExAC 0.00001; gnomAD 0.00001; TOPMed 0.00003; ESP Exome Variant Server 0.00015.
gnomAD v4.1: 20 of 1,613,904 alleles (0.0012%); highest among the groups gnomAD compares: Admixed American, 0.0017%; no homozygotes.

Submissions (2):

Ambry Genetics
Classification: Uncertain significance. Last evaluated: 2022-07-06. Review status: criteria provided, single submitter. Criteria: Ambry Variant Classification Scheme 2023. Collection method: clinical testing. Allele origin: germline.

GeneDx
Classification: Uncertain significance. Last evaluated: 2017-06-01. Review status: criteria provided, single submitter. Criteria: GeneDx Variant Classification (06012015). Collection method: clinical testing. Allele origin: germline. Affected: yes.
Comment: The D280G variant in the KCNK18 gene has not been reported previously as a pathogenic variant, nor as a benign variant, to our knowledge. The D280G variant is not observed at a significant frequency in large population cohorts (Lek et al., 2016; 1000 Genomes Consortium et al., 2015; Exome Variant Server). The D280G variant is a non-conservative amino acid substitution, which is likely to impact secondary protein structure as these residues differ in polarity, charge, size and/or other properties. This substitution occurs at a position that is not conserved. In silico analysis predicts this variant is probably damaging to the protein structure/function. We interpret D280G as a variant of uncertain significance

NM_181840.1(KCNK18):c.839A>G (p.Asp280Gly)

Gene: KCNK18 (potassium two pore domain channel subfamily K member 18; plus strand). Cytogenetic location: 10q25.3.
Variant type: single nucleotide variant.
Coding change: c.839A>G on transcript NM_181840.1 (MANE Select); coding-DNA position 839, A replaced by G.
Protein change: p.Asp280Gly; replaces aspartic acid 280 with glycine.
Molecular consequence: missense variant.
Genome position (GRCh38, 1-based): chr10:117,209,983, A>G. VCF-style: chr10-117209983-A-G. GRCh37 (hg19) VCF-style: chr10-118969494-A-G.
Other names: short protein forms D280G.
Identifiers: ClinVar variation 432474 (VCV000432474.4), dbSNP rs372049012, ClinGen allele CA5710085.